The following is an entry in ClinVar:

NM_003722.5(TP63):c.1700C>T (p.Thr567Ile)

Gene: TP63 (tumor protein p63; plus strand). Cytogenetic location: 3q28.
Variant type: single nucleotide variant.
Coding change: c.1700C>T on transcript NM_003722.5 (MANE Select); coding-DNA position 1700, C replaced by T.
Protein change: p.Thr567Ile; replaces threonine 567 with isoleucine.
Molecular consequence: missense variant. On other transcripts: intron variant (6).
Genome position (GRCh38, 1-based): chr3:189,890,836, C>T. VCF-style: chr3-189890836-C-T. GRCh37 (hg19) VCF-style: chr3-189608625-C-T.
Other names: c.1418C>T, p.Thr473Ile (NM_001114980.2); c.1163C>T, p.Thr388Ile (NM_001329146.2); c.1688C>T, p.Thr563Ile (NM_001329148.2); c.1694C>T, p.Thr565Ile (NM_001329964.2); c.1652+1352C>T (NM_001114978.2); c.1508-3370C>T (NM_001329144.2); c.1370+1352C>T (NM_001114981.2); c.1226-3370C>T (NM_001329145.2); and 2 more; short protein forms T388I, T473I, T567I, T563I, T565I.
Identifiers: ClinVar variation 3650972 (VCV003650972.1).

ClinVar aggregate classification (germline): Uncertain significance (1 of 4 stars; one submission).

Conditions:
TP63-Related Spectrum Disorders.

Submission:

Labcorp Genetics (formerly Invitae), Labcorp
Classification: Uncertain significance. Last evaluated: 2024-05-02. Review status: criteria provided, single submitter. Criteria: Invitae Variant Classification Sherloc (09022015). Collection method: clinical testing. Allele origin: germline.
Comment: This sequence change replaces threonine, which is neutral and polar, with isoleucine, which is neutral and non-polar, at codon 567 of the TP63 protein (p.Thr567Ile). This variant is not present in population databases (gnomAD no frequency). This missense change has been observed in individual(s) with premature ovarian insufficiency (PMID: 36856110). Advanced modeling of protein sequence and biophysical properties (such as structural, functional, and spatial information, amino acid conservation, physicochemical variation, residue mobility, and thermodynamic stability) performed at Invitae indicates that this missense variant is expected to disrupt TP63 protein function with a positive predictive value of 80%. Experimental studies have shown that this missense change does not substantially affect TP63 function (PMID: 36856110). In summary, the available evidence is currently insufficient to determine the role of this variant in disease. Therefore, it has been classified as a Variant of Uncertain Significance.

Literature cited by the submitters: PubMed 36856110.